The following is an entry in ClinVar:

ClinVar aggregate classification (germline): Pathogenic (1 of 4 stars; one submission).

Conditions:
Leukodystrophy, hypomyelinating, 19, transient infantile. Identifiers: MedGen C5231463, MONDO:0032871, OMIM 618688.

Submission:

Department of Pediatrics, The First Affiliated Hospital of Wenzhou Medical University
Classification: Pathogenic for Leukodystrophy, hypomyelinating, 19, transient infantile. Last evaluated: 2025-03-28. Review status: criteria provided, single submitter. Criteria: ACMG Guidelines, 2015. Collection method: research. Allele origin: maternal. Inheritance: Autosomal dominant inheritance. Affected: yes.
Comment: This variant, NM_014698.3:c.567-1G>T, is a canonical splice-site variant in TMEM63A. The variant is absent from the gnomAD population database (PM2). Heterozygous pathogenic variants in TMEM63A are associated with transient infantile hypomyelinating leukodystrophy-19 (HLD19; OMIM:618688). The phenotype observed in this family is consistent with the known clinical spectrum of TMEM63A-related HLD19. The original report of TMEM63A-related HLD19 described patients with developmental delay, hypotonia, nystagmus, and hypomyelination carrying heterozygous TMEM63A variants (PMID: 31587869). Additional patients with TMEM63A variants and overlapping features, including developmental delay, hypotonia, hypomyelination, nystagmus, and seizures, have subsequently been reported (PMID: 34598833). Based on the ACMG/AMP criteria, this variant is classified as pathogenic (PVS1, PM2, PP1).

NM_014698.3(TMEM63A):c.567-1G>T

Gene: TMEM63A (transmembrane protein 63A; minus strand). Cytogenetic location: 1q42.12.
Variant type: single nucleotide variant.
Coding change: c.567-1G>T on transcript NM_014698.3 (MANE Select); the canonical splice acceptor site of the intron before coding-DNA position 567, G replaced by T.
Molecular consequence: splice acceptor variant.
Genome position (GRCh38, 1-based): chr1:225,866,683, C>A on the plus strand (G>T on the coding strand, the complement: TMEM63A is on the minus strand). VCF-style: chr1-225866683-C-A. GRCh37 (hg19) VCF-style: chr1-226054383-C-A.
Identifiers: ClinVar variation 4886903 (VCV004886903.1).